The following is an entry in ClinVar:

NM_052813.5(CARD9):c.882C>G (p.His294Gln)

Gene: CARD9 (caspase recruitment domain family member 9; minus strand). Cytogenetic location: 9q34.3.
Variant type: single nucleotide variant.
Coding change: c.882C>G on transcript NM_052813.5 (MANE Select); coding-DNA position 882, C replaced by G.
Protein change: p.His294Gln; replaces histidine 294 with glutamine.
Molecular consequence: missense variant.
Genome position (GRCh38, 1-based): chr9:136,370,363, G>C on the plus strand (C>G on the coding strand, the complement: CARD9 is on the minus strand). VCF-style: chr9-136370363-G-C. GRCh37 (hg19) VCF-style: chr9-139264815-G-C.
Other names: c.882C>G (NM_052813.4); c.882C>G, p.His294Gln (NM_052814.4); short protein forms H294Q.
Identifiers: ClinVar variation 1010484 (VCV001010484.7), dbSNP rs756275149, ClinGen allele CA5332944.

ClinVar aggregate classification (germline): Uncertain significance. Review status: criteria provided, multiple submitters, no conflicts (2 of 4 stars). 2 submissions from 2 submitters: Uncertain significance (2). Last evaluated 2025-09-04.

Conditions:
Predisposition to invasive fungal disease due to CARD9 deficiency (IMD103). Also called: Candidiasis, familial, 2, autosomal recessive; CARD9 IMMUNODEFICIENCY; IMMUNODEFICIENCY 103, SUSCEPTIBILITY TO FUNGAL INFECTIONS. Identifiers: Orphanet 457088, MedGen C1859353, MONDO:0008905, OMIM 212050.
Inborn genetic diseases. Identifiers: MedGen C0950123, MeSH D030342.

Allele frequency attached by ClinVar (database versions not stated): TOPMed below 0.00001; gnomAD 0.00001; gnomAD exomes 0.00001 and 0.00002; ExAC 0.00002.
gnomAD v4.1: 24 of 1,609,946 alleles (0.0015%); highest among the groups gnomAD compares: Non-Finnish European, 0.002%; no homozygotes.

Submissions (2):

Ambry Genetics
Classification: Uncertain significance for Inborn genetic diseases. Last evaluated: 2025-09-04. Review status: criteria provided, single submitter. Criteria: Ambry Variant Classification Scheme 2023. Collection method: clinical testing. Allele origin: germline.

Labcorp Genetics (formerly Invitae), Labcorp
Classification: Uncertain significance for Predisposition to invasive fungal disease due to CARD9 deficiency. Last evaluated: 2021-08-27. Review status: criteria provided, single submitter. Criteria: Invitae Variant Classification Sherloc (09022015). Collection method: clinical testing. Allele origin: germline.
Comment: This sequence change replaces histidine with glutamine at codon 294 of the CARD9 protein (p.His294Gln). The histidine residue is moderately conserved and there is a small physicochemical difference between histidine and glutamine. This variant is present in population databases (rs756275149, ExAC 0.004%). This variant has not been reported in the literature in individuals affected with CARD9-related conditions. Algorithms developed to predict the effect of missense changes on protein structure and function output the following: SIFT: "Tolerated"; PolyPhen-2: "Benign"; Align-GVGD: "Class C0". The glutamine amino acid residue is found in multiple mammalian species, which suggests that this missense change does not adversely affect protein function. In summary, the available evidence is currently insufficient to determine the role of this variant in disease. Therefore, it has been classified as a Variant of Uncertain Significance.